The following is an entry in ClinVar:

ClinVar aggregate classification (germline): Uncertain significance. Review status: criteria provided, multiple submitters, no conflicts (2 of 4 stars). 2 submissions from 2 submitters: Uncertain significance (2). Last evaluated 2025-11-19.

Conditions:
Epilepsy, familial adult myoclonic, 5 (EPEO5). Also called: CORTICAL MYOCLONIC TREMOR WITH EPILEPSY, FAMILIAL, 5. Identifiers: Orphanet 86814, MedGen C3809374, MONDO:0014167, OMIM 615400.

Allele frequency attached by ClinVar (database versions not stated): gnomAD 0.00003; ESP Exome Variant Server 0.00015; gnomAD exomes 0.00002 and 0.00004; TOPMed 0.00004; ExAC 0.00002.
gnomAD v4.1: 61 of 1,613,648 alleles (0.0038%); highest among the groups gnomAD compares: Non-Finnish European, 0.0048%; no homozygotes.

Submissions (2):

Ambry Genetics
Classification: Uncertain significance. Last evaluated: 2025-11-19. Review status: criteria provided, single submitter. Criteria: Ambry Variant Classification Scheme 2023. Collection method: clinical testing. Allele origin: germline.

Labcorp Genetics (formerly Invitae), Labcorp
Classification: Uncertain significance for Epilepsy, familial adult myoclonic, 5. Last evaluated: 2022-01-01. Review status: criteria provided, single submitter. Criteria: Invitae Variant Classification Sherloc (09022015). Collection method: clinical testing. Allele origin: germline.
Comment: This variant has not been reported in the literature in individuals affected with CNTN2-related conditions. Advanced modeling of protein sequence and biophysical properties (such as structural, functional, and spatial information, amino acid conservation, physicochemical variation, residue mobility, and thermodynamic stability) performed at Invitae indicates that this missense variant is not expected to disrupt CNTN2 protein function. In summary, the available evidence is currently insufficient to determine the role of this variant in disease. Therefore, it has been classified as a Variant of Uncertain Significance. This variant is present in population databases (rs372411999, gnomAD 0.006%). This sequence change replaces serine, which is neutral and polar, with phenylalanine, which is neutral and non-polar, at codon 1037 of the CNTN2 protein (p.Ser1037Phe).

NM_005076.5(CNTN2):c.3110C>T (p.Ser1037Phe)

Gene: CNTN2 (contactin 2; plus strand). Cytogenetic location: 1q32.1.
Variant type: single nucleotide variant.
Coding change: c.3110C>T on transcript NM_005076.5 (MANE Select); coding-DNA position 3110, C replaced by T.
Protein change: p.Ser1037Phe; replaces serine 1037 with phenylalanine.
Molecular consequence: missense variant. On other transcripts: non-coding transcript variant (1).
Genome position (GRCh38, 1-based): chr1:205,073,752, C>T. VCF-style: chr1-205073752-C-T. GRCh37 (hg19) VCF-style: chr1-205042880-C-T.
Other names: c.3110C>T, p.Ser1037Phe (NM_001346083.2); c.3110C>T (NM_005076.3); short protein forms S1037F.
Identifiers: ClinVar variation 1366469 (VCV001366469.8), dbSNP rs372411999, ClinGen allele CA1351880.